The following is an entry in ClinVar:

ClinVar aggregate classification (germline): Pathogenic/Likely pathogenic. Review status: criteria provided, multiple submitters, no conflicts (2 of 4 stars). 4 submissions from 4 submitters: Pathogenic (1); Likely pathogenic (2). 1 of the submissions does not count toward it. Last evaluated 2025-06-11.

Conditions:
Hereditary cancer-predisposing syndrome. Also called: Tumor predisposition; Neoplastic Syndromes, Hereditary; Hereditary Cancer Syndrome; Hereditary neoplastic syndrome. Identifiers: Orphanet 140162, MedGen C0027672, MeSH D009386, MONDO:0015356.
Hereditary breast ovarian cancer syndrome. Also called: Hereditary breast and ovarian cancer; Hereditary breast and ovarian cancer syndrome (HBOC); BRCA1- and BRCA2-Associated Hereditary Breast and Ovarian Cancer; Breast and ovarian cancer; Hereditary breast and ovarian cancer syndrome; Hereditary breast and/or ovarian cancer syndrome. Identifiers: Orphanet 145, MedGen C0677776, MeSH D061325, MONDO:0003582. Disease mechanism: loss of function.
Breast-ovarian cancer, familial, susceptibility to, 2 (BROVCA2). Also called: BRCA2 Hereditary Breast and Ovarian Cancer. Identifiers: Orphanet 145, MedGen C2675520, MONDO:0012933, OMIM 612555. Disease mechanism: loss of function.

Submissions (4):

Ambry Genetics
Classification: Likely pathogenic for Hereditary cancer-predisposing syndrome. Last evaluated: 2025-06-11. Review status: criteria provided, single submitter. Criteria: Ambry Variant Classification Scheme 2023. Collection method: clinical testing. Allele origin: germline.
Comment: The c.6849delC variant, located in coding exon 11 of the BRCA2 gene, results from a deletion of one nucleotide at nucleotide position 6849, causing a translational frameshift with a predicted alternate stop codon (p.S2284Qfs*7). This alteration was observed in 1/7,051 unselected female breast cancer patients and was not observed in 11,241 female controls of Japanese ancestry (Momozawa Y. et al Nat Commun . 2018 10;9(1):4083). This alteration has also been reported in a breast cancer patient from a cohort of 4034 cancer cases from The Cancer Genome Atlas (Lu C et al. Nat Commun. 2015 Dec 22;6:10086). This variant is considered to be rare based on population cohorts in the Genome Aggregation Database (gnomAD). This alteration is expected to result in loss of function by premature protein truncation or nonsense-mediated mRNA decay. Of note, this variant occurs in an exon that is absent in biologically relevant transcripts (Li L et al. Hum. Mutat. 2009 Nov;30(11):1543-50, Fackenthal J et al. J Med Genet. 2016 Aug; 53(8):548-58). A study investigating the splicing impact of loss-of-function variants in this exon found no aberrant splicing in cells expressing this alteration in a minigene assay (Meulemans L. et al Cancer Res. 2020 04;80(7):1374-1386). Similar truncating variants in this exon with no splicing impact have been observed in conjunction with other BRCA2 variants in individuals with Fanconi anemia (Freycon C et al. Clin Genet. 2024 Aug;106(2):193-19; external communication). Based on the majority of available evidence to date, this variant is likely to be pathogenic. However, because similar variants have been identified in patients with Fanconi Anemia, this alteration may be hypomorphic, and thus, carriers of this variant and their families may present with reduced risks, and not with the typical clinical characteristics of a high-risk pathogenic BRCA2 alteration. As risk estimates are unknown at this time, clinical correlation is advised.

Labcorp Genetics (formerly Invitae), Labcorp
Classification: Pathogenic for Hereditary breast ovarian cancer syndrome. Last evaluated: 2024-08-01. Review status: criteria provided, single submitter. Criteria: Invitae Variant Classification Sherloc (09022015). Collection method: clinical testing. Allele origin: germline.
Comment: This sequence change creates a premature translational stop signal (p.Ser2284Glnfs*7) in the BRCA2 gene. It is expected to result in an absent or disrupted protein product. Loss-of-function variants in BRCA2 are known to be pathogenic (PMID: 20104584). This variant is present in population databases (rs761744738, gnomAD 0.0009%). This premature translational stop signal has been observed in individual(s) with breast cancer (PMID: 28831036). This variant is also known as c.6847delC. ClinVar contains an entry for this variant (Variation ID: 487410). For these reasons, this variant has been classified as Pathogenic.

Color Diagnostics, LLC DBA Color Health
Classification: Likely pathogenic for Hereditary cancer-predisposing syndrome. Last evaluated: 2020-04-28. Review status: criteria provided, single submitter. Criteria: ACMG Guidelines, 2015. Collection method: clinical testing. Allele origin: germline.
Comment: This variant (also known as c.6847delC and 7077delC) deletes 1 nucleotide in exon 12 of the BRCA2 gene, creating a premature translation stop signal. This variant is expected to result in an absent or non-functional protein product. Loss of BRCA2 function is a known mechanism of disease. This variant has been reported in an individual affected with breast cancer (PMID: 28831036). This variant has not been identified in the general population by the Genome Aggregation Database (gnomAD). It has been shown that a transcript lacking exon 12 (delEx12) is detected at low levels (10-20%) in healthy individuals (PMID: 19795481, 32046981). This delEx12 transcript has shown varying levels of BRCA2 activity in BRCA2-null mouse embryonic stem cells (PMID: 19795481, 32046981). Of note, two of 11 truncation variants occurring in exon 12 have been shown to increase the delEx12 transcript levels to ~50% of total transcripts in the cells derived from two carriers (PMID: 32046981). However, family studies did not show a correlation of this observation with clinical outcome, and the delEx12 transcript-inducing variants were observed in multiple individuals affected with breast cancer (PMID: 32046981). In summary, limited data suggest that the deleterious effects of certain truncation variants occurring in exon 12 may be alleviated due to the induction of delEx12 transcript. However, the clinical relevance of this observation is not clearly established. Although additional studies are necessary to determine the role of this c.6849del variant in disease conclusively, the available evidence indicates that this variant is likely to result in the loss of BRCA2 function. Therefore, this variant is classified as Likely Pathogenic.

Counsyl
Classification: Likely pathogenic for Breast-ovarian cancer, familial, susceptibility to, 2. Last evaluated: 2016-12-05. Review status: no assertion criteria provided. Collection method: clinical testing. Allele origin: unknown. Not counted in ClinVar's aggregate classification.

Literature cited by the submitters: PubMed 19795481 (cited by Ambry Genetics); PubMed 26689913 (cited by Ambry Genetics); PubMed 30287823 (cited by Ambry Genetics); PubMed 31360904 (cited by Ambry Genetics); PubMed 32046981 (cited by Ambry Genetics); PubMed 20104584 (cited by Labcorp Genetics (formerly Invitae), Labcorp); PubMed 28831036 (cited by Labcorp Genetics (formerly Invitae), Labcorp).

NM_000059.4(BRCA2):c.6849del (p.Ser2284fs)

Gene: BRCA2 (BRCA2 DNA repair associated; plus strand). Cytogenetic location: 13q13.1.
Variant type: Deletion.
Coding change: c.6849del on transcript NM_000059.4 (MANE Select); coding-DNA position 6849, one base deleted (C; older notation c.6849delC).
Protein change: p.Ser2284fs; shifts the reading frame from serine 2284.
Molecular consequence: frameshift variant.
Genome position (GRCh38, 1-based): chr13:32,344,565, C deleted; the last of 3 consecutive C bases (chr13:32,344,563-32,344,565); deleting any one gives the same sequence. VCF-style (leftmost placement, unchanged base first): chr13-32344562-AC-A. GRCh37 (hg19) VCF-style: chr13-32918699-AC-A.
Other names: c.6849delC (NM_000059.3); short protein forms S2284fs.
Identifiers: ClinVar variation 487410 (VCV000487410.22), dbSNP rs761744738, ClinGen allele CA6941009.